The following is an entry in ClinVar:

ClinVar aggregate classification (germline): Pathogenic. Review status: criteria provided, single submitter (1 of 4 stars). 2 submissions from 2 submitters: Pathogenic (1). 1 of the submissions does not count toward it. Last evaluated 2026-10-01.

Conditions:
Tuberous sclerosis syndrome (TSC). Also called: Tuberous Sclerosis Complex; Tuberous sclerosis. Identifiers: Orphanet 805, MedGen C0041341, MONDO:0001734.

Submissions (2):

GeneDx
Classification: Pathogenic. Last evaluated: 2026-10-01. Review status: criteria provided, single submitter. Criteria: GeneDx Variant Classification Process June 2021. Collection method: clinical testing. Allele origin: germline.
Comment: Published functional studies demonstrate disruption of TORC1 inhibition by the TSC1-TSC2 complex (PMID: 22903760); Reported previously as a pathogenic variant in an individual suspected of having TSC (PMID: 22903760); Not observed at significant frequency in large population cohorts (gnomAD); In silico analysis supports that this missense variant has a deleterious effect on protein structure/function; This variant is associated with the following publications: (PMID: 22903760, 18466115)

Tuberous sclerosis database (TSC2)
No classification provided. Condition: TSC. Review status: no classification provided. Criteria: Tuberous Sclerosis Database Assertion Criteria 2015. Collection method: curation. Allele origin: germline. Affected: yes. Not counted in ClinVar's aggregate classification.

NM_000548.5(TSC2):c.4787G>T (p.Gly1596Val)

Gene: TSC2 (TSC complex subunit 2; plus strand). Cytogenetic location: 16p13.3.
Variant type: single nucleotide variant.
Coding change: c.4787G>T on transcript NM_000548.5 (MANE Select); coding-DNA position 4787, G replaced by T.
Protein change: p.Gly1596Val; replaces glycine 1596 with valine.
Molecular consequence: missense variant.
Genome position (GRCh38, 1-based): chr16:2,086,317, G>T. VCF-style: chr16-2086317-G-T. GRCh37 (hg19) VCF-style: chr16-2136318-G-T.
Other names: c.4586G>T, p.Gly1529Val (NM_001077183.3); c.4718G>T, p.Gly1573Val (NM_001114382.3); c.4478G>T, p.Gly1493Val (NM_001318827.2); c.4442G>T, p.Gly1481Val (NM_001318829.2); c.4055G>T, p.Gly1352Val (NM_001318831.2); c.4619G>T, p.Gly1540Val (NM_001318832.2); c.4589G>T, p.Gly1530Val (NM_001363528.2); c.4655G>T, p.Gly1552Val (NM_001370404.1); and 1 more; short protein forms G1596V, G1530V, G1493V, G1529V, G1573V, G1352V, G1481V, G1552V.
Identifiers: ClinVar variation 65024 (VCV000065024.4), dbSNP rs397515014, ClinGen allele CA021002.